The following is an entry in ClinVar:

NM_001165963.4(SCN1A):c.4049T>C (p.Val1350Ala)

Genes: SCN1A (sodium voltage-gated channel alpha subunit 1; minus strand), LOC102724058 (uncharacterized LOC102724058; plus strand). Cytogenetic location: 2q24.3.
Variant type: single nucleotide variant.
Coding change: c.4049T>C on transcript NM_001165963.4 (MANE Select); coding-DNA position 4049, T replaced by C.
Protein change: p.Val1350Ala; replaces valine 1350 with alanine.
Molecular consequence: missense variant. On other transcripts: non-coding transcript variant (1).
Genome position (GRCh38, 1-based): chr2:166,002,707, A>G on the plus strand (T>C on the coding strand, the complement: SCN1A is on the minus strand). VCF-style: chr2-166002707-A-G. GRCh37 (hg19) VCF-style: chr2-166859217-A-G.
Other names: c.4049T>C, p.Val1350Ala (NM_001202435.3, NM_001353948.2); c.4016T>C, p.Val1339Ala (NM_001353949.2, NM_001353950.2, NM_001353951.2 and 2 more transcripts); c.4013T>C, p.Val1338Ala (NM_001353954.2, NM_001353955.2); c.3965T>C, p.Val1322Ala (NM_001353957.2, NM_001353958.2, NM_001165964.3); c.3962T>C, p.Val1321Ala (NM_001353960.2); c.1607T>C, p.Val536Ala (NM_001353961.2); short protein forms V1321A, V1322A, V1338A, V1339A, V1350A, V536A.
Identifiers: ClinVar variation 4293649 (VCV004293649.2).

ClinVar aggregate classification (germline): Pathogenic (1 of 4 stars; one submission).

Conditions:
SCN1A-related disorder. Also called: SCN1A-related conditions; SCN1A-related condition; SCN1A-related disorders.

Submission:

3billion
Classification: Pathogenic for SCN1A-related disorder. Last evaluated: 2025-05-10. Review status: criteria provided, single submitter. Criteria: ACMG Guidelines, 2015. Collection method: clinical testing. Allele origin: germline. Affected: yes.
Comment: The variant is not observed in the gnomAD v4.1.0 dataset. Predicted Consequence/Location: Missense variant In silico tool predictions suggest damaging effect of the variant on gene or gene product [REVEL: 0.89 (>=0.6, sensitivity 0.68 and specificity 0.92); 3Cnet: 0.99 (> 0.75, sensitivity 0.96 and precision 0.92)]. The same nucleotide change resulting in the same amino acid change has been previously reported to be associated with SCN1A-related disorder (PMID: 35571373 /3billion dataset).The variant has been previously reported as de novo in a similarly affected individual (PMID: 35571373). Different missense changes at the same codon (p.Val1350Leu, p.Val1350Met) have been reported as pathogenic/likely pathogenic with strong evidence (ClinVar ID: VCV000654455, VCV000838141 /PMID: 35365919 /3billion dataset). However, the evidence of pathogenicity is insufficient at this time. Therefore, this variant is classified as Pathogenic according to the recommendation of ACMG/AMP guideline.

Literature cited by the submitters: PubMed 35365919; PubMed 35571373.